The following is an entry in ClinVar:

ClinVar aggregate classification (germline): Uncertain significance (1 of 4 stars; one submission).

Conditions:
Dilated cardiomyopathy 1G (CMD1G). Identifiers: Orphanet 154, MedGen C1858763, MONDO:0011400, OMIM 604145.
Autosomal recessive limb-girdle muscular dystrophy type 2J (LGMDR10). Also called: MUSCULAR DYSTROPHY, LIMB-GIRDLE, AUTOSOMAL RECESSIVE 10; Limb-girdle muscular dystrophy, type 2J. Identifiers: Orphanet 140922, MedGen C1837342, MONDO:0012127, OMIM 608807.

Allele frequency attached by ClinVar (database versions not stated): gnomAD 0.00001.
gnomAD v4.1: 1 of 1,613,836 alleles (0.000062%); highest among the groups gnomAD compares: East Asian, 0.0022%; no homozygotes.

Submission:

Labcorp Genetics (formerly Invitae), Labcorp
Classification: Uncertain significance for Dilated cardiomyopathy 1G; Autosomal recessive limb-girdle muscular dystrophy type 2J. Last evaluated: 2021-03-10. Review status: criteria provided, single submitter. Criteria: Invitae Variant Classification Sherloc (09022015). Collection method: clinical testing. Allele origin: germline.
Comment: This sequence change replaces alanine with aspartic acid at codon 35193 of the TTN protein (p.Ala35193Asp). There is a moderate physicochemical difference between alanine and aspartic acid. This variant is not present in population databases (ExAC no frequency). This variant has not been reported in the literature in individuals with TTN-related conditions. Experimental studies and prediction algorithms are not available or were not evaluated, and the functional significance of this variant is currently unknown. In summary, the available evidence is currently insufficient to determine the role of this variant in disease. Therefore, it has been classified as a Variant of Uncertain Significance. This variant is located in the M band of TTN (PMID: 25589632). Variants in this region may be relevant for neuromuscular disorders, but have not been definitively shown to cause cardiomyopathy (PMID: 23975875).

Literature cited by the submitters: PubMed 25589632; PubMed 23975875.

NM_001267550.2(TTN):c.105578C>A (p.Ala35193Asp)

Genes: TTN-AS1 (TTN antisense RNA 1; plus strand), TTN (titin; minus strand). Cytogenetic location: 2q31.2.
Variant type: single nucleotide variant.
Coding change: c.105578C>A on transcript NM_001267550.2 (MANE Select); coding-DNA position 105578, C replaced by A.
Protein change: p.Ala35193Asp; replaces alanine 35193 with aspartic acid.
Molecular consequence: missense variant.
Genome position (GRCh38, 1-based): chr2:178,531,037, G>T on the plus strand (C>A on the coding strand, the complement: TTN is on the minus strand). VCF-style: chr2-178531037-G-T. GRCh37 (hg19) VCF-style: chr2-179395764-G-T.
Other names: c.100655C>A, p.Ala33552Asp (NM_001256850.1); c.78383C>A, p.Ala26128Asp (NM_003319.4); c.97874C>A, p.Ala32625Asp (NM_133378.4); c.78758C>A, p.Ala26253Asp (NM_133432.3); c.78959C>A, p.Ala26320Asp (NM_133437.4); short protein forms A26128D, A32625D, A33552D, A26253D, A26320D, A35193D.
Identifiers: ClinVar variation 1378208 (VCV001378208.6), dbSNP rs1380574216, ClinGen allele CA349408483.